The following is an entry in ClinVar:

ClinVar aggregate classification (germline): Uncertain significance (1 of 4 stars; one submission).

Conditions:
Duchenne muscular dystrophy (DMD). Also called: MUSCULAR DYSTROPHY, PSEUDOHYPERTROPHIC PROGRESSIVE, DUCHENNE TYPE; Duchenne Muscular Dystrophy (DMD). Identifiers: Orphanet 98896, MedGen C0013264, MONDO:0010679, OMIM 310200.

Allele frequency attached by ClinVar (database versions not stated): ESP Exome Variant Server 0.00009.

Submission:

Labcorp Genetics (formerly Invitae), Labcorp
Classification: Uncertain significance for Duchenne muscular dystrophy. Last evaluated: 2023-11-02. Review status: criteria provided, single submitter. Criteria: Invitae Variant Classification Sherloc (09022015). Collection method: clinical testing. Allele origin: germline.
Comment: This sequence change replaces arginine, which is basic and polar, with proline, which is neutral and non-polar, at codon 2870 of the DMD protein (p.Arg2870Pro). This variant is present in population databases (rs373481995, gnomAD 0.001%). This variant has not been reported in the literature in individuals affected with DMD-related conditions. ClinVar contains an entry for this variant (Variation ID: 2187398). Advanced modeling of protein sequence and biophysical properties (such as structural, functional, and spatial information, amino acid conservation, physicochemical variation, residue mobility, and thermodynamic stability) performed at Invitae indicates that this missense variant is not expected to disrupt DMD protein function with a negative predictive value of 95%. In summary, the available evidence is currently insufficient to determine the role of this variant in disease. Therefore, it has been classified as a Variant of Uncertain Significance.

NM_004006.3(DMD):c.8609G>C (p.Arg2870Pro)

Gene: DMD (dystrophin; minus strand). Cytogenetic location: Xp21.2.
Variant type: single nucleotide variant.
Coding change: c.8609G>C on transcript NM_004006.3 (MANE Select); coding-DNA position 8609, G replaced by C.
Protein change: p.Arg2870Pro; replaces arginine 2870 with proline.
Molecular consequence: missense variant.
Genome position (GRCh38, 1-based): chrX:31,479,042, C>G on the plus strand (G>C on the coding strand, the complement: DMD is on the minus strand). VCF-style: chrX-31479042-C-G. GRCh37 (hg19) VCF-style: chrX-31497159-C-G.
Other names: c.8585G>C, p.Arg2862Pro (NM_000109.4); c.8597G>C, p.Arg2866Pro (NM_004009.3); c.8240G>C, p.Arg2747Pro (NM_004010.3); c.4586G>C, p.Arg1529Pro (NM_004011.4); c.4577G>C, p.Arg1526Pro (NM_004012.4); c.1229G>C, p.Arg410Pro (NM_004013.3, NM_004020.4, NM_004021.3 and 2 more transcripts); c.422G>C, p.Arg141Pro (NM_004014.3); short protein forms R2870P, R1526P, R2747P, R2866P, R141P, R1529P, R2862P, R410P.
Identifiers: ClinVar variation 2187398 (VCV002187398.4), dbSNP rs373481995, ClinGen allele CA10378028.